The following is an entry in ClinVar:

NM_000431.4(MVK):c.829C>T (p.Arg277Cys)

Gene: MVK (mevalonate kinase; plus strand). Cytogenetic location: 12q24.11.
Variant type: single nucleotide variant.
Coding change: c.829C>T on transcript NM_000431.4 (MANE Select); coding-DNA position 829, C replaced by T.
Protein change: p.Arg277Cys; replaces arginine 277 with cysteine.
Molecular consequence: missense variant.
Genome position (GRCh38, 1-based): chr12:109,591,301, C>T. VCF-style: chr12-109591301-C-T. GRCh37 (hg19) VCF-style: chr12-110029106-C-T.
Other names: p.Arg277Cys; c.829C>T, p.Arg277Cys (NM_001114185.3); c.673C>T, p.Arg225Cys (NM_001301182.2); short protein forms R277C, R225C.
Identifiers: ClinVar variation 97630 (VCV000097630.9), dbSNP rs104895321, ClinGen allele CA149909.

ClinVar aggregate classification (germline): Conflicting classifications of pathogenicity. Review status: criteria provided, conflicting classifications (1 of 4 stars). 6 submissions from 6 submitters: Pathogenic (2); Likely pathogenic (2); Uncertain significance (1). 1 of the submissions does not count toward it. Last evaluated 2026-01-16.

Conditions:
Deficiency of mevalonate kinase. Also called: Mevalonate kinase deficiency. Identifiers: Orphanet 309025, MedGen C0342731, MONDO:0017708.
Porokeratosis 3, disseminated superficial actinic type (POROK3). Also called: POROKERATOSIS, DISSEMINATED SUPERFICIAL ACTINIC, 1; POROKERATOSIS 3, MULTIPLE TYPES; POROKERATOSIS 3, MIBELLI TYPE. Identifiers: MedGen C1867981, MONDO:0008293, OMIM 175900.
Mevalonic aciduria (MEVA). Identifiers: Orphanet 29, MedGen C1959626, MONDO:0012481, OMIM 610377.
Hyperimmunoglobulin D with periodic fever (HIDS). Also called: HYPERIMMUNOGLOBULINEMIA D AND PERIODIC FEVER SYNDROME; Hyperimmunoglobulinemia D with periodic fever; Hyperimmunoglobulinemia D. Identifiers: Orphanet 343, MedGen C0398691, MONDO:0009849, OMIM 260920.

Allele frequency attached by ClinVar (database versions not stated): TOPMed 0.00002; ESP Exome Variant Server 0.00008; ExAC 0.00010; gnomAD exomes 0.00014; gnomAD 0.00019 and 0.00021.

Submissions (6):

Labcorp Genetics (formerly Invitae), Labcorp
Classification: Pathogenic for Mevalonic aciduria; Hyperimmunoglobulin D with periodic fever; Porokeratosis 3, disseminated superficial actinic type. Last evaluated: 2026-01-16. Review status: criteria provided, single submitter. Criteria: Invitae Variant Classification Sherloc (09022015). Collection method: clinical testing. Allele origin: germline.
Comment: This sequence change replaces arginine, which is basic and polar, with cysteine, which is neutral and slightly polar, at codon 277 of the MVK protein (p.Arg277Cys). This variant is present in population databases (rs104895321, gnomAD 0.1%). This missense change has been observed in individuals with mevalonate kinase deficiency (PMID: 16835861, 17171314). ClinVar contains an entry for this variant (Variation ID: 97630). Invitae Evidence Modeling of protein sequence and biophysical properties (such as structural, functional, and spatial information, amino acid conservation, physicochemical variation, residue mobility, and thermodynamic stability) has been performed for this missense variant. However, the output from this modeling did not meet the statistical confidence thresholds required to predict the impact of this variant on MVK protein function. This variant disrupts the p.Arg277 amino acid residue in MVK. Other variant(s) that disrupt this residue have been determined to be pathogenic (PMID: 16255052). This suggests that this residue is clinically significant, and that variants that disrupt this residue are likely to be disease-causing. For these reasons, this variant has been classified as Pathogenic.

Myriad Genetics, Inc.
Classification: Likely pathogenic for Deficiency of mevalonate kinase. Last evaluated: 2025-10-22. Review status: criteria provided, single submitter. Criteria: Myriad Autosomal Dominant, Autosomal Recessive and X-Linked Classification Criteria (2023). Collection method: clinical testing. Allele origin: unknown.
Comment: NM_000431.2(MVK):c.829C>T(R277C) is a missense variant classified as likely pathogenic in the context of mevalonate kinase deficiency. R277C has been observed in cases with relevant disease (PMID: 16835861, 17171314, 20712835, 25721923, 31430439). Relevant functional assessments of this variant are not available in the literature. R277C has been observed in referenced population frequency databases. In summary, NM_000431.2(MVK):c.829C>T(R277C) is a missense variant that has been observed more frequently in cases with the relevant disease than in healthy populations. Please note: this variant was assessed in the context of healthy population screening.

Blueprint Genetics
Classification: Uncertain significance. Last evaluated: 2024-09-09. Review status: criteria provided, single submitter. Criteria: ACMG Guidelines, 2015. Collection method: clinical testing. Allele origin: germline.

Fulgent Genetics
Classification: Pathogenic for Porokeratosis 3, disseminated superficial actinic type; Hyperimmunoglobulin D with periodic fever; Mevalonic aciduria. Last evaluated: 2024-03-16. Review status: criteria provided, single submitter. Criteria: ACMG Guidelines, 2015. Collection method: clinical testing. Allele origin: germline.

Mayo Clinic Laboratories, Mayo Clinic
Classification: Likely pathogenic. Last evaluated: 2022-09-28. Review status: criteria provided, single submitter. Criteria: ACMG Guidelines, 2015. Collection method: clinical testing. Allele origin: germline. Observed: 1 variant allele.
Comment: PP3, PP4, PM3, PM5, PS4_moderate

Unité médicale des maladies autoinflammatoires, CHRU Montpellier
No classification provided. Condition: Hyperimmunoglobulin D with periodic fever. Review status: no classification provided. Collection method: not provided. Allele origin: unknown. Not counted in ClinVar's aggregate classification.
Comment: also involved in OMIM 25117

Literature cited by the submitters: PubMed 16835861 (cited by 3 submitters); PubMed 17171314 (cited by 3 submitters); PubMed 16255052 (cited by Labcorp Genetics (formerly Invitae), Labcorp); PubMed 20712835 (cited by Myriad Genetics, Inc.); PubMed 25721923 (cited by Myriad Genetics, Inc. and Mayo Clinic Laboratories, Mayo Clinic); PubMed 31430439 (cited by Myriad Genetics, Inc. and Mayo Clinic Laboratories, Mayo Clinic); PubMed 11111075 (cited by Mayo Clinic Laboratories, Mayo Clinic); PubMed 12387810 (cited by Mayo Clinic Laboratories, Mayo Clinic); PubMed 22246419 (cited by Mayo Clinic Laboratories, Mayo Clinic); PubMed 24656624 (cited by Mayo Clinic Laboratories, Mayo Clinic); PubMed 25502423 (cited by Mayo Clinic Laboratories, Mayo Clinic); PubMed 26990548 (cited by Mayo Clinic Laboratories, Mayo Clinic); PubMed 29047407 (cited by Mayo Clinic Laboratories, Mayo Clinic); PubMed 29599418 (cited by Mayo Clinic Laboratories, Mayo Clinic); PubMed 35525811 (cited by Mayo Clinic Laboratories, Mayo Clinic).